The following is an entry in ClinVar:

NM_001298.3(CNGA3):c.2015G>T (p.Gly672Val)

Gene: CNGA3 (cyclic nucleotide gated channel subunit alpha 3; plus strand). Cytogenetic location: 2q11.2.
Variant type: single nucleotide variant.
Coding change: c.2015G>T on transcript NM_001298.3 (MANE Select); coding-DNA position 2015, G replaced by T.
Protein change: p.Gly672Val; replaces glycine 672 with valine.
Molecular consequence: missense variant.
Genome position (GRCh38, 1-based): chr2:98,397,185, G>T. VCF-style: chr2-98397185-G-T. GRCh37 (hg19) VCF-style: chr2-99013648-G-T.
Other names: c.1961G>T, p.Gly654Val (NM_001079878.2); short protein forms G654V, G672V.
Identifiers: ClinVar variation 1480768 (VCV001480768.7), dbSNP rs1484475832, ClinGen allele CA347834784.

ClinVar aggregate classification (germline): Uncertain significance (1 of 4 stars; one submission).

Allele frequency attached by ClinVar (database versions not stated): TOPMed below 0.00001.

Submission:

Labcorp Genetics (formerly Invitae), Labcorp
Classification: Uncertain significance. Last evaluated: 2021-02-15. Review status: criteria provided, single submitter. Criteria: Invitae Variant Classification Sherloc (09022015). Collection method: clinical testing. Allele origin: germline.
Comment: This sequence change replaces glycine with valine at codon 672 of the CNGA3 protein (p.Gly672Val). The glycine residue is weakly conserved and there is a moderate physicochemical difference between glycine and valine. This variant is not present in population databases (ExAC no frequency). This variant has not been reported in the literature in individuals with CNGA3-related conditions. Advanced modeling of protein sequence and biophysical properties (such as structural, functional, and spatial information, amino acid conservation, physicochemical variation, residue mobility, and thermodynamic stability) performed at Invitae indicates that this missense variant is not expected to disrupt CNGA3 protein function. In summary, the available evidence is currently insufficient to determine the role of this variant in disease. Therefore, it has been classified as a Variant of Uncertain Significance.